The following is an entry in ClinVar:

ClinVar aggregate classification (germline): Benign/Likely benign. Review status: criteria provided, multiple submitters, no conflicts (2 of 4 stars). 10 submissions from 6 submitters: Benign (7); Likely benign (2). 1 of the submissions does not count toward it. Last evaluated 2026-01-31.

Conditions:
Multiple epiphyseal dysplasia type 4 (EDM4). Also called: MULTIPLE EPIPHYSEAL DYSPLASIA WITH BILAYERED PATELLAE; MULTIPLE EPIPHYSEAL DYSPLASIA WITH CLUBFOOT; MULTIPLE EPIPHYSEAL DYSPLASIA, AUTOSOMAL RECESSIVE; SLC26A2-Related Multiple Epiphyseal Dysplasia; Multiple Epiphyseal Dysplasia, Recessive. Identifiers: Orphanet 93307, MedGen C1847593, MONDO:0009189, OMIM 226900.
Achondrogenesis, type IB (ACG1B). Also called: Achondrogenesis Type 1B. Identifiers: Orphanet 932, Orphanet 93298, MedGen C0265274, MONDO:0010966, OMIM 600972.
Atelosteogenesis type II (AO2). Also called: NEONATAL OSSEOUS DYSPLASIA I; Neonatal osseous dysplasia 1; SLC26A2-Related Atelosteogenesis. Identifiers: Orphanet 56304, MedGen C1850554, MONDO:0009727, OMIM 256050.
Diastrophic dysplasia (DTD). Also called: Diastrophic dwarfism. Identifiers: Orphanet 628, MedGen C0220726, MONDO:0009107, OMIM 222600.
Connective tissue disorder. Also called: Connective tissue disease. Identifiers: MedGen C0009782, MONDO:0003900.
Sulfate transporter-related osteochondrodysplasia. Also called: DTDST-related dysplasias. Identifiers: MedGen CN120497. Disease mechanism: loss of function.

Allele frequency attached by ClinVar (database versions not stated): gnomAD exomes 0.00066 and 0.00191; ExAC 0.00236; gnomAD 0.00747 and 0.00795; TOPMed 0.00850; ESP Exome Variant Server 0.00861; 1000 Genomes Project 30x 0.01031; 1000 Genomes Project 0.01038.
gnomAD v4.1: 2,172 of 1,613,918 alleles (0.13%); highest among the groups gnomAD compares: African/African-American, 2.5%; 25 homozygotes.

Submissions (10):

Labcorp Genetics (formerly Invitae), Labcorp
Classification: Benign for Atelosteogenesis type II; Multiple epiphyseal dysplasia type 4; Achondrogenesis, type IB; Diastrophic dysplasia. Last evaluated: 2026-01-31. Review status: criteria provided, single submitter. Criteria: Invitae Variant Classification Sherloc (09022015). Collection method: clinical testing. Allele origin: germline.

ARUP Laboratories, Molecular Genetics and Genomics, ARUP Laboratories
Classification: Benign. Last evaluated: 2025-05-23. Review status: criteria provided, single submitter. Criteria: ARUP Molecular Germline Variant Investigation Process 2024. Collection method: clinical testing. Allele origin: germline.

Genome Diagnostics Laboratory, The Hospital for Sick Children
Classification: Benign for Connective tissue disorder. Last evaluated: 2021-11-01. Review status: criteria provided, single submitter. Criteria: ACMG Guidelines, 2015. Collection method: clinical testing. Allele origin: germline.

GeneDx
Classification: Benign. Last evaluated: 2018-01-31. Review status: criteria provided, single submitter. Criteria: GeneDx Variant Classification (06012015). Collection method: clinical testing. Allele origin: germline. Affected: yes.
Comment: This variant is considered likely benign or benign based on one or more of the following criteria: it is a conservative change, it occurs at a poorly conserved position in the protein, it is predicted to be benign by multiple in silico algorithms, and/or has population frequency not consistent with disease.

Illumina Laboratory Services, Illumina
Classification: Benign for Achondrogenesis, type IB. Last evaluated: 2018-01-12. Review status: criteria provided, single submitter. Criteria: ICSL Variant Classification Criteria 13 December 2019. Collection method: clinical testing. Allele origin: germline.
Comment: This variant was observed in the ICSL laboratory as part of a predisposition screen in an ostensibly healthy population. It had not been previously curated by ICSL or reported in the Human Gene Mutation Database (HGMD: prior to June 1st, 2018), and was therefore a candidate for classification through an automated scoring system. Utilizing variant allele frequency, disease prevalence and penetrance estimates, and inheritance mode, an automated score was calculated to assess if this variant is too frequent to cause the disease. Based on the score and internal cut-off values, a variant classified as benign is not then subjected to further curation. The score for this variant resulted in a classification of benign for this disease.

Illumina Laboratory Services, Illumina
Classification: Benign for Diastrophic dysplasia. Last evaluated: 2018-01-12. Review status: criteria provided, single submitter. Criteria: ICSL Variant Classification Criteria 13 December 2019. Collection method: clinical testing. Allele origin: germline.
Comment: the same text as in the submission from Illumina Laboratory Services, Illumina above.

Illumina Laboratory Services, Illumina
Classification: Likely benign for Osteochondrodysplasia. Last evaluated: 2018-01-12. Review status: criteria provided, single submitter. Criteria: ICSL Variant Classification Criteria 13 December 2019. Collection method: clinical testing. Allele origin: germline.
Comment: This variant was observed in the ICSL laboratory as part of a predisposition screen in an ostensibly healthy population. It had not been previously curated by ICSL or reported in the Human Gene Mutation Database (HGMD: prior to June 1st, 2018), and was therefore a candidate for classification through an automated scoring system. Utilizing variant allele frequency, disease prevalence and penetrance estimates, and inheritance mode, an automated score was calculated to assess if this variant is too frequent to cause the disease. Based on the score and internal cut-off values, a variant classified as likely benign is not then subjected to further curation. The score for this variant resulted in a classification of likely benign for this disease.

Illumina Laboratory Services, Illumina
Classification: Likely benign for Multiple epiphyseal dysplasia type 4. Last evaluated: 2018-01-12. Review status: criteria provided, single submitter. Criteria: ICSL Variant Classification Criteria 13 December 2019. Collection method: clinical testing. Allele origin: germline.
Comment: the same text as in the submission from Illumina Laboratory Services, Illumina above.

Illumina Laboratory Services, Illumina
Classification: Benign for Atelosteogenesis type II. Last evaluated: 2018-01-12. Review status: criteria provided, single submitter. Criteria: ICSL Variant Classification Criteria 13 December 2019. Collection method: clinical testing. Allele origin: germline.
Comment: the same text as in the submission from Illumina Laboratory Services, Illumina above.

Natera, Inc.
Classification: Benign for Achondrogenesis type IB. Last evaluated: 2020-09-16. Review status: no assertion criteria provided. Collection method: clinical testing. Allele origin: germline. Not counted in ClinVar's aggregate classification.

NM_000112.4(SLC26A2):c.655A>G (p.Ile219Val)

Gene: SLC26A2 (solute carrier family 26 member 2; plus strand). Cytogenetic location: 5q32.
Variant type: single nucleotide variant.
Coding change: c.655A>G on transcript NM_000112.4 (MANE Select); coding-DNA position 655, A replaced by G.
Protein change: p.Ile219Val; replaces isoleucine 219 with valine.
Molecular consequence: missense variant.
Genome position (GRCh38, 1-based): chr5:149,978,307, A>G. VCF-style: chr5-149978307-A-G. GRCh37 (hg19) VCF-style: chr5-149357870-A-G.
Other names: short protein forms I219V.
Identifiers: ClinVar variation 352021 (VCV000352021.29), dbSNP rs35919114, ClinGen allele CA3505288.